The following is an entry in ClinVar:

ClinVar aggregate classification (germline): Pathogenic/Likely pathogenic. Review status: criteria provided, multiple submitters, no conflicts (2 of 4 stars). 4 submissions from 4 submitters: Pathogenic (3); Likely pathogenic (1). Last evaluated 2026-04-14.

Conditions:
Familial intrahepatic cholestasis. Identifiers: Orphanet 284385, MedGen CN296401, MONDO:0017290.
Progressive familial intrahepatic cholestasis type 2. Identifiers: Orphanet 79304, MedGen C3489789, MONDO:0011156, OMIM 601847.
Familial intrahepatic cholestasis type 2.

Allele frequency attached by ClinVar (database versions not stated): gnomAD exomes below 0.00001; TOPMed below 0.00001.
gnomAD v4.1: 1 of 1,551,416 alleles (0.000064%); highest among the groups gnomAD compares: Non-Finnish European, 0.000087%; no homozygotes.

Submissions (4):

Genomenon, Inc
Classification: Pathogenic for Familial intrahepatic cholestasis. Last evaluated: 2026-04-14. Review status: criteria provided, single submitter. Criteria: Genomenon Sequence Variant Interpretation Standards - Updated. Collection method: curation. Allele origin: germline. Affected: yes.
Comment: ABCB11 c.2178+2T>C is a canonical splice variant affecting the donor splice site of intron 18. It is predicted to affect mRNA splicing, leading to a deleterious effect on the ABCB11 protein. This variant has been observed in at least one proband with an ABCB11-related disorder (PMID:37697751). It is absent or not present at a significant frequency in gnomAD. In conclusion, we classify ABCB11 c.2178+2T>C as a pathogenic variant.

Broad Center for Mendelian Genomics, Broad Institute of MIT and Harvard
Classification: Pathogenic for Progressive familial intrahepatic cholestasis type 2. Last evaluated: 2025-01-24. Review status: criteria provided, single submitter. Criteria: ACMG Guidelines, 2015. Collection method: curation. Allele origin: germline. Inheritance: Autosomal recessive inheritance.
Comment: The c.2178+2T>C variant in ABCB11 has been reported, in the homozygous state, in 1 individual with BSEP deficiency (PMID: 33083013), and has been identified in 0.00009% (1/1145270) of European (non-Finnish) chromosomes by the Genome Aggregation Database (gnomAD; dbSNP rs1693198121). Although this variant has been seen in the general population in a heterozygous state, its frequency is low enough to be consistent with a recessive carrier frequency. This variant has also been reported in ClinVar (Variation ID: 973518) and has been interpreted as pathogenic by Rolfs Rare Disease Consulting and likely pathogenic by Centogene AG. This variant is located in the 3' splice region. Computational tools predict a splicing impact, though this information is not predictive enough to determine pathogenicity. Loss of function of the ABCB11 gene is an established disease mechanism in autosomal recessive BSEP deficiency. In summary, this variant meets criteria to be classified as pathogenic for autosomal recessive BSEP deficiency. ACMG/AMP Criteria applied: PVS1, PM2_supporting, PM3_supporting (Richards 2015).

Rolfs Rare Disease Consulting, Rolfs Consulting Und Verwaltungs GmbH
Classification: Pathogenic for Progressive familial intrahepatic cholestasis type 2. Last evaluated: 2019-01-01. Review status: criteria provided, single submitter. Criteria: ACMG Guidelines, 2015. Collection method: clinical testing. Allele origin: germline. Affected: yes.

CENTOGENE GmbH and LLC - Guiding Precision Medicine
Classification: Likely pathogenic for Familial intrahepatic cholestasis type 2. Review status: criteria provided, single submitter. Criteria: ACMG Guidelines, 2015. Collection method: clinical testing. Allele origin: germline. Affected: yes.

Literature cited by the submitters: PubMed 37697751 (cited by Genomenon, Inc).

NM_003742.4(ABCB11):c.2178+2T>C

Gene: ABCB11 (ATP binding cassette subfamily B member 11; minus strand). Cytogenetic location: 2q31.1.
Variant type: single nucleotide variant.
Coding change: c.2178+2T>C on transcript NM_003742.4 (MANE Select); the canonical splice donor site of the intron after coding-DNA position 2178, T replaced by C.
Molecular consequence: splice donor variant.
Genome position (GRCh38, 1-based): chr2:168,964,204, A>G on the plus strand (T>C on the coding strand, the complement: ABCB11 is on the minus strand). VCF-style: chr2-168964204-A-G. GRCh37 (hg19) VCF-style: chr2-169820714-A-G.
Identifiers: ClinVar variation 973518 (VCV000973518.4), dbSNP rs1693198121, ClinGen allele CA349108977.
Genomic context (GRCh38, chr2:168,964,204, plus strand): 5'-GTACCCAACAGTCCCCAGGAGAGACTTCTTCCATTCCCCCCCATAAGCAGTTGGTGCCTG[A>G]CCTTTCTATCTTCTTCATAGGTAGACTTATGATCTACAACAGCTAATGGAGGTTCGTGCA-3'